The following is an entry in ClinVar:

NM_002381.5(MATN3):c.106T>G (p.Phe36Val)

Gene: MATN3 (matrilin 3; minus strand). Cytogenetic location: 2p24.1.
Variant type: single nucleotide variant.
Coding change: c.106T>G on transcript NM_002381.5 (MANE Select); coding-DNA position 106, T replaced by G.
Protein change: p.Phe36Val; replaces phenylalanine 36 with valine.
Molecular consequence: missense variant.
Genome position (GRCh38, 1-based): chr2:20,012,526, A>C on the plus strand (T>G on the coding strand, the complement: MATN3 is on the minus strand). VCF-style: chr2-20012526-A-C. GRCh37 (hg19) VCF-style: chr2-20212287-A-C.
Other names: short protein forms F36V.
Identifiers: ClinVar variation 4768892 (VCV004768892.1).

ClinVar aggregate classification (germline): Uncertain significance (1 of 4 stars; one submission).

gnomAD v4.1: 1 of 1,227,420 alleles (0.000081%); highest among the groups gnomAD compares: Non-Finnish European, 0.0001%; no homozygotes.

Submission:

Labcorp Genetics (formerly Invitae), Labcorp
Classification: Uncertain significance. Last evaluated: 2025-03-30. Review status: criteria provided, single submitter. Criteria: Invitae Variant Classification Sherloc (09022015). Collection method: clinical testing. Allele origin: germline.
Comment: This sequence change replaces phenylalanine, which is neutral and non-polar, with valine, which is neutral and non-polar, at codon 36 of the MATN3 protein (p.Phe36Val). This variant is present in population databases (no rsID available, gnomAD 0.007%). This variant has not been reported in the literature in individuals affected with MATN3-related conditions. An algorithm developed to predict the effect of missense changes on protein structure and function outputs the following: PolyPhen-2: "Benign". The valine amino acid residue is found in multiple mammalian species, which suggests that this missense change does not adversely affect protein function. In summary, the available evidence is currently insufficient to determine the role of this variant in disease. Therefore, it has been classified as a Variant of Uncertain Significance.